The following is an entry in ClinVar:

NM_017617.5(NOTCH1):c.5273_5274delinsAA (p.Arg1758Gln)

Gene: NOTCH1 (notch receptor 1; minus strand). Cytogenetic location: 9q34.3.
Variant type: Indel.
Coding change: c.5273_5274delinsAA on transcript NM_017617.5 (MANE Select); coding-DNA positions 5273 to 5274, GC replaced by AA.
Protein change: p.Arg1758Gln; replaces arginine 1758 with glutamine.
Molecular consequence: missense variant.
Genome position (GRCh38, 1-based): chr9:136,502,382-136,502,383, GC replaced by TT on the plus strand (GC replaced by AA on the coding strand, the reverse complement: NOTCH1 is on the minus strand). VCF-style: chr9-136502382-GC-TT. GRCh37 (hg19) VCF-style: chr9-139396834-GC-TT.
Other names: short protein forms R1758Q.
Identifiers: ClinVar variation 4721424 (VCV004721424.1).

ClinVar aggregate classification (germline): Uncertain significance (1 of 4 stars; one submission).

Conditions:
Adams-Oliver syndrome 5 (AOS5). Identifiers: Orphanet 974, MedGen C4014970, MONDO:0014459, OMIM 616028.

Submission:

Labcorp Genetics (formerly Invitae), Labcorp
Classification: Uncertain significance for Adams-Oliver syndrome 5. Last evaluated: 2025-06-15. Review status: criteria provided, single submitter. Criteria: Invitae Variant Classification Sherloc (09022015). Collection method: clinical testing. Allele origin: germline.
Comment: This sequence change replaces arginine, which is basic and polar, with glutamine, which is neutral and polar, at codon 1758 of the NOTCH1 protein (p.Arg1758Gln). Information on the frequency of this variant in the gnomAD database is not available, as this variant may be reported differently in the database. This variant has not been reported in the literature in individuals affected with NOTCH1-related conditions. An algorithm developed to predict the effect of missense changes on protein structure and function (PolyPhen-2) suggests that this variant is likely to be tolerated. In summary, the available evidence is currently insufficient to determine the role of this variant in disease. Therefore, it has been classified as a Variant of Uncertain Significance.